The following is an entry in ClinVar:

ClinVar aggregate classification (germline): Likely pathogenic (1 of 4 stars; one submission).

Conditions:
Primary ciliary dyskinesia. Also called: Ciliary dyskinesia. Identifiers: Orphanet 244, MedGen C0008780, MONDO:0016575, HP:0012265.

gnomAD v4.1: 1 of 1,610,134 alleles (0.000062%); no homozygotes.

Submission:

Labcorp Genetics (formerly Invitae), Labcorp
Classification: Likely pathogenic for Primary ciliary dyskinesia. Last evaluated: 2024-01-15. Review status: criteria provided, single submitter. Criteria: Invitae Variant Classification Sherloc (09022015). Collection method: clinical testing. Allele origin: germline.
Comment: This sequence change affects an acceptor splice site in intron 58 of the DNAH11 gene. It is expected to disrupt RNA splicing. Variants that disrupt the donor or acceptor splice site typically lead to a loss of protein function (PMID: 16199547), and loss-of-function variants in DNAH11 are known to be pathogenic (PMID: 18022865, 20513915, 22184204). This variant is not present in population databases (gnomAD no frequency). This variant has not been reported in the literature in individuals affected with DNAH11-related conditions. Algorithms developed to predict the effect of sequence changes on RNA splicing suggest that this variant may disrupt the consensus splice site. In summary, the currently available evidence indicates that the variant is pathogenic, but additional data are needed to prove that conclusively. Therefore, this variant has been classified as Likely Pathogenic.

Literature cited by the submitters: PubMed 16199547; PubMed 18022865; PubMed 20513915; PubMed 22184204.

NM_001277115.2(DNAH11):c.9598-1G>C

Gene: DNAH11 (dynein axonemal heavy chain 11; plus strand). Cytogenetic location: 7p15.3.
Variant type: single nucleotide variant.
Coding change: c.9598-1G>C on transcript NM_001277115.2 (MANE Select); the canonical splice acceptor site of the intron before coding-DNA position 9598, G replaced by C.
Molecular consequence: splice acceptor variant.
Genome position (GRCh38, 1-based): chr7:21,786,623, G>C. VCF-style: chr7-21786623-G-C. GRCh37 (hg19) VCF-style: chr7-21826241-G-C.
Identifiers: ClinVar variation 2731369 (VCV002731369.3), dbSNP rs2535259357, ClinGen allele CA366939897.
Genomic context (GRCh38, chr7:21,786,623, plus strand): 5'-GAGCTTCTCCAGACTTCCGCTAATCCTGTCTGTGTACGTGTTTCTGTGTGCTTTTCTTCA[G>C]GTCAACCTCAGTGAGCTGAAAGCCTTTCCCAACCCTCCCATCGCAGTTACCAATGTTACT-3'